The following is an entry in ClinVar:

NM_001037.5(SCN1B):c.166G>T (p.Glu56Ter)

Gene: SCN1B (sodium voltage-gated channel beta subunit 1; plus strand). Cytogenetic location: 19q13.11.
Variant type: single nucleotide variant.
Coding change: c.166G>T on transcript NM_001037.5 (MANE Select); coding-DNA position 166, G replaced by T.
Protein change: p.Glu56Ter; replaces glutamic acid 56 with a stop codon.
Molecular consequence: nonsense.
Genome position (GRCh38, 1-based): chr19:35,032,653, G>T. VCF-style: chr19-35032653-G-T. GRCh37 (hg19) VCF-style: chr19-35523557-G-T.
Other names: c.67G>T, p.Glu23Ter (NM_001321605.2); c.166G>T, p.Glu56Ter (NM_199037.5); short protein forms E23*, E56*.
Identifiers: ClinVar variation 3672329 (VCV003672329.2).
Genomic context (GRCh38, chr19:35,032,653, plus strand): 5'-TTCAAAATTCTTTGCATCTCCTGCAAGCGCCGCAGCGAGACCAACGCTGAGACCTTCACC[G>T]AGTGGACCTTCCGCCAGAAGGGCACTGAGGAGTTTGTCAAGGTGTGCGGGTGCCGGGAAC-3'

ClinVar aggregate classification (germline): Pathogenic (1 of 4 stars; one submission).

Conditions:
Brugada syndrome 5 (BRGDA5). Identifiers: Orphanet 130, Orphanet 871, MedGen C2748541, MONDO:0013015, OMIM 612838.

gnomAD v4.1: 1 of 1,614,100 alleles (0.000062%); highest among the groups gnomAD compares: Non-Finnish European, 0.000085%; no homozygotes.

Submission:

Labcorp Genetics (formerly Invitae), Labcorp
Classification: Pathogenic for Brugada syndrome 5. Last evaluated: 2024-08-14. Review status: criteria provided, single submitter. Criteria: Invitae Variant Classification Sherloc (09022015). Collection method: clinical testing. Allele origin: germline.
Comment: This sequence change creates a premature translational stop signal (p.Glu56*) in the SCN1B gene. While this is not anticipated to result in nonsense mediated decay, it is expected to disrupt the last 213 amino acid(s) of the SCN1B protein. This variant is not present in population databases (gnomAD no frequency). This variant has not been reported in the literature in individuals affected with SCN1B-related conditions. This variant disrupts a region of the SCN1B protein in which other variant(s) (p.Trp179*) have been determined to be pathogenic (PMID: 18464934). This suggests that this is a clinically significant region of the protein, and that variants that disrupt it are likely to be disease-causing. For these reasons, this variant has been classified as Pathogenic.

Literature cited by the submitters: PubMed 18464934.